The following is an entry in ClinVar:

NM_000064.4(C3):c.670G>A (p.Val224Met)

Gene: C3 (complement C3; minus strand). Cytogenetic location: 19p13.3.
Variant type: single nucleotide variant.
Coding change: c.670G>A on transcript NM_000064.4 (MANE Select); coding-DNA position 670, G replaced by A.
Protein change: p.Val224Met; replaces valine 224 with methionine.
Molecular consequence: missense variant.
Genome position (GRCh38, 1-based): chr19:6,714,178, C>T on the plus strand (G>A on the coding strand, the complement: C3 is on the minus strand). VCF-style: chr19-6714178-C-T. GRCh37 (hg19) VCF-style: chr19-6714189-C-T.
Other names: short protein forms V224M.
Identifiers: ClinVar variation 1715064 (VCV001715064.5), dbSNP rs2512266942, ClinGen allele CA403643121.

ClinVar aggregate classification (germline): Uncertain significance (1 of 4 stars; one submission).

Submission:

Labcorp Genetics (formerly Invitae), Labcorp
Classification: Uncertain significance. Last evaluated: 2022-08-05. Review status: criteria provided, single submitter. Criteria: Invitae Variant Classification Sherloc (09022015). Collection method: clinical testing. Allele origin: germline.
Comment: Algorithms developed to predict the effect of sequence changes on RNA splicing suggest that this variant may disrupt the consensus splice site. Algorithms developed to predict the effect of missense changes on protein structure and function are either unavailable or do not agree on the potential impact of this missense change (SIFT: "Deleterious"; PolyPhen-2: "Probably Damaging"; Align-GVGD: "Class C0"). In summary, the available evidence is currently insufficient to determine the role of this variant in disease. Therefore, it has been classified as a Variant of Uncertain Significance. This sequence change replaces valine, which is neutral and non-polar, with methionine, which is neutral and non-polar, at codon 224 of the C3 protein (p.Val224Met). This variant is not present in population databases (gnomAD no frequency). This variant has not been reported in the literature in individuals affected with C3-related conditions.